The following is an entry in ClinVar:

NM_006265.3(RAD21):c.539A>C (p.Asp180Ala)

Gene: RAD21 (RAD21 cohesin complex component; minus strand). Cytogenetic location: 8q24.11.
Variant type: single nucleotide variant.
Coding change: c.539A>C on transcript NM_006265.3 (MANE Select); coding-DNA position 539, A replaced by C.
Protein change: p.Asp180Ala; replaces aspartic acid 180 with alanine.
Molecular consequence: missense variant.
Genome position (GRCh38, 1-based): chr8:116,857,416, T>G on the plus strand (A>C on the coding strand, the complement: RAD21 is on the minus strand). VCF-style: chr8-116857416-T-G. GRCh37 (hg19) VCF-style: chr8-117869655-T-G.
Other names: c.539A>C (NM_006265.2); short protein forms D180A.
Identifiers: ClinVar variation 287407 (VCV000287407.7), dbSNP rs772085724, ClinGen allele CA4853058.

ClinVar aggregate classification (germline): Uncertain significance. Review status: criteria provided, multiple submitters, no conflicts (2 of 4 stars). 2 submissions from 2 submitters: Uncertain significance (2). Last evaluated 2020-11-12.

Conditions:
Inborn genetic diseases. Identifiers: MedGen C0950123, MeSH D030342.

Allele frequency attached by ClinVar (database versions not stated): gnomAD exomes below 0.00001; TOPMed below 0.00001; ExAC 0.00001; gnomAD 0.00001.
gnomAD v4.1: 2 of 1,613,350 alleles (0.00012%); highest among the groups gnomAD compares: Non-Finnish European, 0.00017%; no homozygotes.

Submissions (2):

Ambry Genetics
Classification: Uncertain significance for Inborn genetic diseases. Last evaluated: 2020-11-12. Review status: criteria provided, single submitter. Criteria: Ambry Variant Classification Scheme 2023. Collection method: clinical testing. Allele origin: germline.
Comment: The c.539A>C (p.D180A) alteration is located in exon 6 (coding exon 5) of the RAD21 gene. This alteration results from an A to C substitution at nucleotide position 539, causing the aspartic acid (D) at amino acid position 180 to be replaced by an alanine (A). Based on data from the Genome Aggregation Database (gnomAD) database, the RAD21 c.539A>C alteration was observed in 0.0004% (1/250,702) of total alleles studied. This amino acid position is conserved in available mammalian species. The p.D180A alteration is predicted to be tolerated by in silico analysis. Based on insufficient or conflicting evidence, the clinical significance of this alteration remains unclear.

Eurofins Ntd Llc (ga)
Classification: Uncertain significance. Last evaluated: 2016-04-22. Review status: criteria provided, single submitter. Criteria: EGL Classification Definitions 2015. Collection method: clinical testing. Allele origin: germline. Observed: 2 variant alleles, 2 heterozygotes.